The following is an entry in ClinVar:

ClinVar aggregate classification (germline): Uncertain significance (1 of 4 stars; one submission).

Conditions:
Surfactant metabolism dysfunction, pulmonary, 4 (SMDP4). Also called: CSF2RA DEFICIENCY; PAP DUE TO CSF2RA DEFICIENCY; PULMONARY ALVEOLAR PROTEINOSIS, CONGENITAL, 4. Identifiers: Orphanet 264675, MedGen C2677877, MONDO:0010424, OMIM 300770.

Allele frequency attached by ClinVar (database versions not stated): gnomAD exomes below 0.00001.
gnomAD v4.1: 5 of 1,613,896 alleles (0.00031%); highest among the groups gnomAD compares: Admixed American, 0.0033%; no homozygotes.

Submission:

Labcorp Genetics (formerly Invitae), Labcorp
Classification: Uncertain significance for Surfactant metabolism dysfunction, pulmonary, 4. Last evaluated: 2023-12-14. Review status: criteria provided, single submitter. Criteria: Invitae Variant Classification Sherloc (09022015). Collection method: clinical testing. Allele origin: germline.
Comment: This sequence change replaces asparagine, which is neutral and polar, with serine, which is neutral and polar, at codon 54 of the CSF2RA protein (p.Asn54Ser). This variant is present in population databases (no rsID available, gnomAD 0.006%). This variant has not been reported in the literature in individuals affected with CSF2RA-related conditions. Advanced modeling of protein sequence and biophysical properties (such as structural, functional, and spatial information, amino acid conservation, physicochemical variation, residue mobility, and thermodynamic stability) performed at Invitae indicates that this missense variant is not expected to disrupt CSF2RA protein function with a negative predictive value of 80%. In summary, the available evidence is currently insufficient to determine the role of this variant in disease. Therefore, it has been classified as a Variant of Uncertain Significance.

NM_172245.4(CSF2RA):c.161A>G (p.Asn54Ser)

Gene: CSF2RA (colony stimulating factor 2 receptor subunit alpha; plus strand). Cytogenetic location: Xp22.33.
Variant type: single nucleotide variant.
Coding change: c.161A>G on transcript NM_172245.4 (MANE Select); coding-DNA position 161, A replaced by G.
Protein change: p.Asn54Ser; replaces asparagine 54 with serine.
Molecular consequence: missense variant. On other transcripts: non-coding transcript variant (1), intron variant (1).
Genome position (GRCh38, 1-based): chrX:1,285,862, A>G. VCF-style: chrX-1285862-A-G. GRCh37 (hg19) VCF-style: chrX-1404755-A-G.
Other names: c.161A>G, p.Asn54Ser (NM_001161529.2, NM_001161530.2, NM_001161531.2 and 21 more transcripts); c.-180-2657A>G (NM_001161532.2); short protein forms N54S.
Identifiers: ClinVar variation 3010625 (VCV003010625.3), dbSNP rs1457285917, ClinGen allele CA412234684.